The following is an entry in ClinVar:

ClinVar aggregate classification (germline): Likely benign (0 of 4 stars; one submission).

Conditions:
MYH3-related disorder. Also called: MYH3-Related Disorders; MYH3-related condition. Identifiers: MedGen CN239329.

Allele frequency attached by ClinVar (database versions not stated): gnomAD 0.00001.
gnomAD v4.1: 1 of 152,272 alleles (0.00066%); highest among the groups gnomAD compares: Non-Finnish European, 0.0015%; no homozygotes.

Submission:

PreventionGenetics, part of Exact Sciences
Classification: Likely benign for MYH3-related condition. Last evaluated: 2023-08-11. Review status: no assertion criteria provided. Collection method: clinical testing. Allele origin: germline.
Comment: This variant is classified as likely benign based on ACMG/AMP sequence variant interpretation guidelines (Richards et al. 2015 PMID: 25741868, with internal and published modifications).

NM_002470.4(MYH3):c.1411-264A>C

Gene: MYH3 (myosin heavy chain 3; minus strand). Cytogenetic location: 17p13.1.
Variant type: single nucleotide variant.
Coding change: c.1411-264A>C on transcript NM_002470.4 (MANE Select); 264 bases into the intron before coding-DNA position 1411, A replaced by C.
Molecular consequence: intron variant.
Genome position (GRCh38, 1-based): chr17:10,643,260, T>G on the plus strand (A>C on the coding strand, the complement: MYH3 is on the minus strand). VCF-style: chr17-10643260-T-G. GRCh37 (hg19) VCF-style: chr17-10546577-T-G.
Identifiers: ClinVar variation 3031340 (VCV003031340.2), dbSNP rs1009894173, ClinGen allele CA287788305.
Genomic context (GRCh38, chr17:10,643,260, plus strand): 5'-CCTGAGTTCCCAAGGTCTGGGCATCTCTTGTGTACTTTATTTTGTAGTTACTCTTCAATG[T>G]GCCATATAGACTTCTATTTCTTCTCTACTAGACTACAAGCTCATCTGTTTTTTTCACCTG-3'